The following is an entry in ClinVar:

ClinVar aggregate classification (germline): Uncertain significance (1 of 4 stars; one submission).

Conditions:
Hereditary nonpolyposis colorectal neoplasms. Identifiers: MedGen C0009405, MeSH D003123.

Submission:

Labcorp Genetics (formerly Invitae), Labcorp
Classification: Uncertain significance for Hereditary nonpolyposis colorectal neoplasms. Last evaluated: 2022-07-10. Review status: criteria provided, single submitter. Criteria: Invitae Variant Classification Sherloc (09022015). Collection method: clinical testing. Allele origin: germline.
Comment: This sequence change replaces lysine, which is basic and polar, with methionine, which is neutral and non-polar, at codon 888 of the MSH6 protein (p.Lys888Met). This variant is not present in population databases (gnomAD no frequency). This variant has not been reported in the literature in individuals affected with MSH6-related conditions. Algorithms developed to predict the effect of missense changes on protein structure and function are either unavailable or do not agree on the potential impact of this missense change (SIFT: "Deleterious"; PolyPhen-2: "Possibly Damaging"; Align-GVGD: "Class C0"). In summary, the available evidence is currently insufficient to determine the role of this variant in disease. Therefore, it has been classified as a Variant of Uncertain Significance.

NM_000179.3(MSH6):c.2663A>T (p.Lys888Met)

Gene: MSH6 (mutS homolog 6; plus strand). Cytogenetic location: 2p16.3.
Variant type: single nucleotide variant.
Coding change: c.2663A>T on transcript NM_000179.3 (MANE Select); coding-DNA position 2663, A replaced by T.
Protein change: p.Lys888Met; replaces lysine 888 with methionine.
Molecular consequence: missense variant.
Genome position (GRCh38, 1-based): chr2:47,800,646, A>T. VCF-style: chr2-47800646-A-T. GRCh37 (hg19) VCF-style: chr2-48027785-A-T.
Other names: c.2366A>T, p.Lys789Met (NM_001406797.1, NM_001406801.1, NM_001406805.1 and 10 more transcripts); c.2663A>T, p.Lys888Met (NM_001406798.1, NM_001406800.1, NM_001406796.1 and 2 more transcripts); c.2138A>T, p.Lys713Met (NM_001406799.1, NM_001406806.1, NM_001406807.1); c.2759A>T, p.Lys920Met (NM_001406802.1, NM_001406795.1); c.2585A>T, p.Lys862Met (NM_001406804.1); c.1757A>T, p.Lys586Met (NM_001406823.1, NM_001281493.2, NM_001281494.2 and 6 more transcripts); c.2495A>T, p.Lys832Met (NM_001406826.1); c.2273A>T, p.Lys758Met (NM_001281492.2); and 1 more; short protein forms K862M, K586M, K789M, K758M, K832M, K888M, K920M, K713M.
Identifiers: ClinVar variation 2015655 (VCV002015655.4), dbSNP rs1558666165, ClinGen allele CA346755213.
Genomic context (GRCh38, chr2:47,800,646, plus strand): 5'-TGTGTAAAATTATAGGGATCATGGAAGAAGTTGCTGATGGTTTTAAGTCTAAAATCCTTA[A>T]GCAGGTCATCTCTCTGCAGACAAAAAATCCTGAAGGTCGTTTTCCTGATTTGACTGTAGA-3'
Protein context (NP_000170.1, residues 878-898): VADGFKSKIL[Lys888Met]QVISLQTKNP